The following is an entry in ClinVar:

NM_006940.6(SOX5):c.1339A>G (p.Ile447Val)

Gene: SOX5 (SRY-box transcription factor 5; minus strand). Cytogenetic location: 12p12.1.
Variant type: single nucleotide variant.
Coding change: c.1339A>G on transcript NM_006940.6 (MANE Select); coding-DNA position 1339, A replaced by G.
Protein change: p.Ile447Val; replaces isoleucine 447 with valine.
Molecular consequence: missense variant. On other transcripts: intron variant (1).
Genome position (GRCh38, 1-based): chr12:23,575,664, T>C on the plus strand (A>G on the coding strand, the complement: SOX5 is on the minus strand). VCF-style: chr12-23575664-T-C. GRCh37 (hg19) VCF-style: chr12-23728598-T-C.
Other names: c.1309A>G, p.Ile437Val (NM_001261415.3); c.1234A>G, p.Ile412Val (NM_001330785.2); c.1300A>G, p.Ile434Val (NM_152989.5); c.181A>G, p.Ile61Val (NM_178010.4); c.1125+28723A>G (NM_001261414.3); short protein forms I412V, I434V, I437V, I447V, I61V.
Identifiers: ClinVar variation 3897150 (VCV003897150.1).

ClinVar aggregate classification (germline): Uncertain significance (1 of 4 stars; one submission).

Submission:

GeneDx
Classification: Uncertain significance. Last evaluated: 2024-11-05. Review status: criteria provided, single submitter. Criteria: GeneDx Variant Classification Process June 2021. Collection method: clinical testing. Allele origin: germline. Affected: yes.
Comment: Not observed at significant frequency in large population cohorts (gnomAD); In silico analysis indicates that this missense variant does not alter protein structure/function; Has not been previously published as pathogenic or benign to our knowledge